The following is an entry in ClinVar:

NM_018979.4(WNK1):c.5209C>G (p.Pro1737Ala)

Gene: WNK1 (WNK lysine deficient protein kinase 1; plus strand). Cytogenetic location: 12p13.33.
Variant type: single nucleotide variant.
Coding change: c.5209C>G on transcript NM_018979.4 (MANE Select); coding-DNA position 5209, C replaced by G.
Protein change: p.Pro1737Ala; replaces proline 1737 with alanine.
Molecular consequence: missense variant.
Genome position (GRCh38, 1-based): chr12:886,013, C>G. VCF-style: chr12-886013-C-G. GRCh37 (hg19) VCF-style: chr12-995179-C-G.
Other names: c.5989C>G, p.Pro1997Ala (NM_001184985.2); c.4468C>G, p.Pro1490Ala (NM_014823.3); c.5965C>G, p.Pro1989Ala (NM_213655.5); short protein forms P1989A, P1997A, P1490A, P1737A.
Identifiers: ClinVar variation 706745 (VCV000706745.15), dbSNP rs577485048, ClinGen allele CA6383088.

ClinVar aggregate classification (germline): Conflicting classifications of pathogenicity. Review status: criteria provided, conflicting classifications (1 of 4 stars). 4 submissions from 4 submitters: Uncertain significance (1); Likely benign (3). Last evaluated 2025-08-29.

Conditions:
WNK1-related disorder. Also called: WNK1-related condition.
Pseudohypoaldosteronism type 2C (PHA2C). Also called: Pseudohypoaldosteronism Type IIC. Identifiers: Orphanet 757, Orphanet 88940, MedGen C1840391, MONDO:0013778, OMIM 614492.
Neuropathy, hereditary sensory and autonomic, type 2A (HSAN2A). Also called: HSAN IIA; WNK1-Related HSAN2 (HSAN2A); MORVAN DISEASE; NEUROPATHY, CONGENITAL SENSORY; NEUROPATHY, HEREDITARY SENSORY RADICULAR, AUTOSOMAL RECESSIVE; NEUROPATHY, HEREDITARY SENSORY, TYPE IIA. Identifiers: Orphanet 970, MedGen C2752089, MONDO:0024309, OMIM 201300.
Inborn genetic diseases. Identifiers: MedGen C0950123, MeSH D030342.

Allele frequency attached by ClinVar (database versions not stated): gnomAD exomes 0.00007 and 0.00023; gnomAD 0.00009 and 0.00010; TOPMed 0.00019; ExAC 0.00027; 1000 Genomes Project 30x 0.00031; 1000 Genomes Project 0.00040.
gnomAD v4.1: 120 of 1,593,234 alleles (0.0075%); highest among the groups gnomAD compares: East Asian, 0.24%; no homozygotes.

Submissions (4):

PreventionGenetics, part of Exact Sciences
Classification: Likely benign for WNK1-related condition. Last evaluated: 2025-08-29. Review status: criteria provided, single submitter. Criteria: ACMG Guidelines, 2015. Collection method: clinical testing. Allele origin: germline.
Comment: This variant is classified as likely benign based on ACMG/AMP sequence variant interpretation guidelines (Richards et al. 2015 PMID: 25741868, with internal and published modifications).

Labcorp Genetics (formerly Invitae), Labcorp
Classification: Likely benign for Neuropathy, hereditary sensory and autonomic, type 2A; Pseudohypoaldosteronism type 2C. Last evaluated: 2025-04-23. Review status: criteria provided, single submitter. Criteria: Invitae Variant Classification Sherloc (09022015). Collection method: clinical testing. Allele origin: germline.

Blueprint Genetics
Classification: Uncertain significance. Last evaluated: 2024-05-08. Review status: criteria provided, single submitter. Criteria: ACMG Guidelines, 2015. Collection method: clinical testing. Allele origin: germline.

Ambry Genetics
Classification: Likely benign for Inborn genetic diseases. Last evaluated: 2022-07-11. Review status: criteria provided, single submitter. Criteria: Ambry Variant Classification Scheme 2023. Collection method: clinical testing. Allele origin: germline.